The following is an entry in ClinVar:

ClinVar aggregate classification (germline): Uncertain significance. Review status: criteria provided, multiple submitters, no conflicts (2 of 4 stars). 3 submissions from 3 submitters: Uncertain significance (3). Last evaluated 2025-01-21.

Conditions:
Nephronophthisis 14 (NPHP14). Identifiers: Orphanet 2318, MedGen C3539071, MONDO:0013916, OMIM 614844.

Allele frequency attached by ClinVar (database versions not stated): TOPMed 0.00003; gnomAD 0.00004.
gnomAD v4.1: 26 of 1,613,932 alleles (0.0016%); highest among the groups gnomAD compares: African/African-American, 0.0053%; no homozygotes.

Submissions (3):

Ambry Genetics
Classification: Uncertain significance. Last evaluated: 2025-01-21. Review status: criteria provided, single submitter. Criteria: Ambry Variant Classification Scheme 2023. Collection method: clinical testing. Allele origin: germline.

Blueprint Genetics
Classification: Uncertain significance. Last evaluated: 2024-10-24. Review status: criteria provided, single submitter. Criteria: ACMG Guidelines, 2015. Collection method: clinical testing. Allele origin: germline.

Labcorp Genetics (formerly Invitae), Labcorp
Classification: Uncertain significance for Nephronophthisis 14. Last evaluated: 2021-09-17. Review status: criteria provided, single submitter. Criteria: Invitae Variant Classification Sherloc (09022015). Collection method: clinical testing. Allele origin: germline.
Comment: This sequence change replaces arginine with histidine at codon 461 of the ZNF423 protein (p.Arg461His). The arginine residue is highly conserved and there is a small physicochemical difference between arginine and histidine. This variant is present in population databases (rs200959271, ExAC 0.01%). This variant has not been reported in the literature in individuals with ZNF423-related conditions. Algorithms developed to predict the effect of missense changes on protein structure and function are either unavailable or do not agree on the potential impact of this missense change (SIFT: "Deleterious"; PolyPhen-2: "Possibly Damaging"; Align-GVGD: "Class C0"). In summary, the available evidence is currently insufficient to determine the role of this variant in disease. Therefore, it has been classified as a Variant of Uncertain Significance.

NM_001379286.1(ZNF423):c.1406G>A (p.Arg469His)

Gene: ZNF423 (zinc finger protein 423; minus strand). Cytogenetic location: 16q12.1.
Variant type: single nucleotide variant.
Coding change: c.1406G>A on transcript NM_001379286.1 (MANE Select); coding-DNA position 1406, G replaced by A.
Protein change: p.Arg469His; replaces arginine 469 with histidine.
Molecular consequence: missense variant.
Genome position (GRCh38, 1-based): chr16:49,637,770, C>T on the plus strand (G>A on the coding strand, the complement: ZNF423 is on the minus strand). VCF-style: chr16-49637770-C-T. GRCh37 (hg19) VCF-style: chr16-49671681-C-T.
Other names: c.1382G>A (NM_015069.2); c.1202G>A, p.Arg401His (NM_001271620.2); c.1031G>A, p.Arg344His (NM_001330533.2); c.1382G>A, p.Arg461His (NM_015069.5); short protein forms R469H, R401H, R461H, R344H.
Identifiers: ClinVar variation 1501791 (VCV001501791.7), dbSNP rs200959271, ClinGen allele CA8046685.